The following is an entry in ClinVar:

ClinVar aggregate classification (germline): Uncertain significance (1 of 4 stars; one submission).

Submission:

Labcorp Genetics (formerly Invitae), Labcorp
Classification: Uncertain significance. Last evaluated: 2024-02-24. Review status: criteria provided, single submitter. Criteria: Invitae Variant Classification Sherloc (09022015). Collection method: clinical testing. Allele origin: germline.
Comment: This sequence change creates a premature translational stop signal (p.Val529Glyfs*28) in the ERMARD gene. It is expected to result in an absent or disrupted protein product. However, the current clinical and genetic evidence is not sufficient to establish whether loss-of-function variants in ERMARD cause disease. This variant is not present in population databases (gnomAD no frequency). This variant has not been reported in the literature in individuals affected with ERMARD-related conditions. ClinVar contains an entry for this variant (Variation ID: 2090219). Experimental studies and prediction algorithms are not available or were not evaluated, and the functional significance of this variant is currently unknown. In summary, the available evidence is currently insufficient to determine the role of this variant in disease. Therefore, it has been classified as a Variant of Uncertain Significance.

NM_018341.3(ERMARD):c.1586del (p.Val529fs)

Gene: ERMARD (ER membrane associated RNA degradation; plus strand). Cytogenetic location: 6q27.
Variant type: Deletion.
Coding change: c.1586del on transcript NM_018341.3 (MANE Select); coding-DNA position 1586, one base deleted (T; older notation c.1586delT).
Protein change: p.Val529fs; shifts the reading frame from valine 529.
Molecular consequence: frameshift variant. On other transcripts: intron variant (2).
Genome position (GRCh38, 1-based): chr6:169,776,520, T deleted. VCF-style (leftmost placement, unchanged base first): chr6-169776519-GT-G. GRCh37 (hg19) VCF-style: chr6-170176615-GT-G.
Other names: c.1208del, p.Val403fs (NM_001278532.2); c.1178delT, p.Val393Glyfs (NM_001410957.1); c.1598+109del (NM_001278531.2); c.1520+455del (NM_001278533.2); short protein forms V529fs, V403fs.
Identifiers: ClinVar variation 2090219 (VCV002090219.4), dbSNP rs2537547411, ClinGen allele CA2580075327.